The following is an entry in ClinVar:

ClinVar aggregate classification (germline): Uncertain significance (1 of 4 stars; one submission).

Allele frequency attached by ClinVar (database versions not stated): gnomAD exomes below 0.00001; gnomAD 0.00001; TOPMed 0.00002.

Submission:

Labcorp Genetics (formerly Invitae), Labcorp
Classification: Uncertain significance. Last evaluated: 2023-11-15. Review status: criteria provided, single submitter. Criteria: Invitae Variant Classification Sherloc (09022015). Collection method: clinical testing. Allele origin: germline.
Comment: This sequence change replaces threonine, which is neutral and polar, with methionine, which is neutral and non-polar, at codon 95 of the LSS protein (p.Thr95Met). This variant is not present in population databases (gnomAD no frequency). This missense change has been observed in individual(s) with clinical features of LSS-related conditions (Invitae). In at least one individual the data is consistent with being in trans (on the opposite chromosome) from a pathogenic variant. An algorithm developed to predict the effect of missense changes on protein structure and function (PolyPhen-2) suggests that this variant is likely to be disruptive. In summary, the available evidence is currently insufficient to determine the role of this variant in disease. Therefore, it has been classified as a Variant of Uncertain Significance.

NM_002340.6(LSS):c.284C>T (p.Thr95Met)

Gene: LSS (lanosterol synthase; minus strand). Cytogenetic location: 21q22.3.
Variant type: single nucleotide variant.
Coding change: c.284C>T on transcript NM_002340.6 (MANE Select); coding-DNA position 284, C replaced by T.
Protein change: p.Thr95Met; replaces threonine 95 with methionine.
Molecular consequence: missense variant.
Genome position (GRCh38, 1-based): chr21:46,227,587, G>A on the plus strand (C>T on the coding strand, the complement: LSS is on the minus strand). VCF-style: chr21-46227587-G-A. GRCh37 (hg19) VCF-style: chr21-47647501-G-A.
Other names: c.284C>T, p.Thr95Met (NM_001001438.3, NM_001145436.2); c.44C>T, p.Thr15Met (NM_001145437.2); short protein forms T95M, T15M.
Identifiers: ClinVar variation 2873805 (VCV002873805.3), dbSNP rs911361575, ClinGen allele CA321970656.
Genomic context (GRCh38, chr21:46,227,587, plus strand): 5'-TCAGGCTGGGGCAGCATACTCCTACCTGGCAGGAGGAAAAGTGGGCCACCATAATCACCC[G>A]TCCAGTGCCCATCCTCAGCCTGCAGCCCCACGTAAAATGTCATCCCGTTCAGAGCCCCCT-3'
Protein context (NP_002331.3, residues 85-105): VGLQAEDGHW[Thr95Met]GDYGGPLFLL